The following is an entry in ClinVar:

NM_000078.3(CETP):c.369-12G>A

Gene: CETP (cholesteryl ester transfer protein; plus strand). Cytogenetic location: 16q13.
Variant type: single nucleotide variant.
Coding change: c.369-12G>A on transcript NM_000078.3 (MANE Select); 12 bases into the intron before coding-DNA position 369, G replaced by A.
Molecular consequence: intron variant.
Genome position (GRCh38, 1-based): chr16:56,969,599, G>A. VCF-style: chr16-56969599-G-A. GRCh37 (hg19) VCF-style: chr16-57003511-G-A.
Other names: c.369-12G>A (NM_001286085.2).
Identifiers: ClinVar variation 2116727 (VCV002116727.4), dbSNP rs2543644497, ClinGen allele CA2580091678.
Genomic context (GRCh38, chr16:56,969,599, plus strand): 5'-TGATGCCCCATGCCCTGGCCCTCTCTGGGCTGGAGGGCTGAATGAGGGTCCTGGGTCCTT[G>A]GCTCTTTCCAGGCTGGGTATTGATCAGTCCATTGACTTCGAGATCGACTCTGCCATTGAC-3'

ClinVar aggregate classification (germline): Uncertain significance (1 of 4 stars; one submission).

Submission:

Labcorp Genetics (formerly Invitae), Labcorp
Classification: Uncertain significance. Last evaluated: 2022-03-25. Review status: criteria provided, single submitter. Criteria: Invitae Variant Classification Sherloc (09022015). Collection method: clinical testing. Allele origin: germline.
Comment: In summary, the available evidence is currently insufficient to determine the role of this variant in disease. Therefore, it has been classified as a Variant of Uncertain Significance. Algorithms developed to predict the effect of sequence changes on RNA splicing suggest that this variant may disrupt the consensus splice site. This variant has not been reported in the literature in individuals affected with CETP-related conditions. This variant is not present in population databases (gnomAD no frequency). This sequence change falls in intron 3 of the CETP gene. It does not directly change the encoded amino acid sequence of the CETP protein.